The following is an entry in ClinVar:

NM_004972.4(JAK2):c.3338G>A (p.Arg1113His)

Genes: INSL6 (insulin like 6; minus strand), JAK2 (Janus kinase 2; plus strand). Cytogenetic location: 9p24.1.
Variant type: single nucleotide variant.
Coding change: c.3338G>A on transcript NM_004972.4 (MANE Select); coding-DNA position 3338, G replaced by A.
Protein change: p.Arg1113His; replaces arginine 1113 with histidine.
Molecular consequence: missense variant. On other transcripts: non-coding transcript variant (2).
Genome position (GRCh38, 1-based): chr9:5,126,730, G>A. VCF-style: chr9-5126730-G-A. GRCh37 (hg19) VCF-style: chr9-5126730-G-A.
Other names: c.3338G>A, p.Arg1113His (NM_001322194.2, NM_001322195.2, NM_001322196.2); c.2123G>A, p.Arg708His (NM_001322198.2, NM_001322199.2); c.2891G>A, p.Arg964His (NM_001322204.2); short protein forms R964H, R1113H, R708H.
Identifiers: ClinVar variation 5007454 (VCV005007454.2).
Genomic context (GRCh38, chr9:5,126,730, plus strand): 5'-TTTCTCCTTTACAGATCTATATGATCATGACAGAATGCTGGAACAATAATGTAAATCAAC[G>A]CCCCTCCTTTAGGGATCTAGCTCTTCGAGTGGATCAAATAAGGGATAACATGGCTGGATG-3'
Protein context (NP_004963.1, residues 1103-1123): TECWNNNVNQ[Arg1113His]PSFRDLALRV

ClinVar aggregate classification (germline): Uncertain significance (1 of 4 stars; one submission).

Conditions:
Acquired polycythemia vera. Also called: POLYCYTHEMIA RUBRA VERA; Suspected polycythemia vera; Polycythemia vera, somatic. Identifiers: Orphanet 729, MedGen C0032463, MeSH D011087, MONDO:0009891, OMIM 263300.
Primary familial polycythemia due to EPO receptor mutation. Also called: POLYCYTHEMIA, PRIMARY FAMILIAL AND CONGENITAL; Erythrocytosis, familial, 1; Primary Familial Congenital Polycythemia; ERYTHROCYTOSIS, SOMATIC. Identifiers: Orphanet 90042, MedGen C4551637, MONDO:0007572, OMIM 133100.
Acute myeloid leukemia (AML). Also called: Leukemia, acute myeloid, somatic; Acute myeloid leukemia, adult; AML adult; Acute non-lymphocytic leukemia; Acute granulocytic leukemia; Leukemia, acute myelogenous, somatic. Identifiers: Orphanet 519, MedGen C0023467, MeSH D015470, MONDO:0018874, OMIM 601626, HP:0004808. Disease mechanism: Constitutively activated FLT3.
Primary myelofibrosis. Also called: Myelofibrosis, somatic. Identifiers: Orphanet 824, MedGen C0001815, MeSH D055728, MONDO:0009692, OMIM 254450.
Thrombocythemia 3 (THCYT3). Also called: THROMBOCYTOSIS 3; THROMBOCYTHEMIA 3, SOMATIC. Identifiers: MedGen C3281125, MONDO:0013794, OMIM 614521.
Budd-Chiari syndrome (BDCHS). Also called: Hepatic vein obstruction. Identifiers: Orphanet 131, MedGen C0856761, MONDO:0010947, OMIM 600880, HP:0002639.

gnomAD v4.1: 4 of 1,610,914 alleles (0.00025%); highest among the groups gnomAD compares: Admixed American, 0.0017%; no homozygotes.

Submission:

Juno Genomics, Hangzhou Juno Genomics, Inc
Classification: Uncertain significance for Thrombocythemia 3; Budd-Chiari syndrome; Primary familial polycythemia due to EPO receptor mutation; Acute myeloid leukemia; Primary myelofibrosis; Acquired polycythemia vera. Review status: criteria provided, single submitter. Criteria: ACMG Guidelines, 2015. Collection method: clinical testing. Allele origin: germline.
Comment: Absent from controls (or at extremely low frequency if recessive) in Genome Aggregation Database.;Multiple lines of computational evidence support a deleterious effect on the gene or gene product.